The following is an entry in ClinVar:

NM_000059.4(BRCA2):c.4395A>T (p.Glu1465Asp)

Gene: BRCA2 (BRCA2 DNA repair associated; plus strand). Cytogenetic location: 13q13.1.
Variant type: single nucleotide variant.
Coding change: c.4395A>T on transcript NM_000059.4 (MANE Select); coding-DNA position 4395, A replaced by T.
Protein change: p.Glu1465Asp; replaces glutamic acid 1465 with aspartic acid.
Molecular consequence: missense variant. On other transcripts: non-coding transcript variant (1), intron variant (2).
Genome position (GRCh38, 1-based): chr13:32,338,750, A>T. VCF-style: chr13-32338750-A-T. GRCh37 (hg19) VCF-style: chr13-32912887-A-T.
Other names: c.4395A>T, p.Glu1465Asp (NM_001406719.1, NM_001406720.1); c.1909+5363A>T (NM_001406721.1); c.425-5808A>T (NM_001406722.1); short protein forms E1465D.
Identifiers: ClinVar variation 2708432 (VCV002708432.3), dbSNP rs188234310, ClinGen allele CA387781113.

ClinVar aggregate classification (germline): Uncertain significance (1 of 4 stars; one submission).

Conditions:
Hereditary breast ovarian cancer syndrome. Also called: Hereditary breast and ovarian cancer syndrome; Hereditary breast and ovarian cancer syndrome (HBOC); Hereditary breast and/or ovarian cancer syndrome; Hereditary breast and ovarian cancer; Breast and ovarian cancer; BRCA1- and BRCA2-Associated Hereditary Breast and Ovarian Cancer. Identifiers: Orphanet 145, MedGen C0677776, MeSH D061325, MONDO:0003582. Disease mechanism: loss of function.

Submission:

Labcorp Genetics (formerly Invitae), Labcorp
Classification: Uncertain significance for Hereditary breast ovarian cancer syndrome. Last evaluated: 2024-01-09. Review status: criteria provided, single submitter. Criteria: Invitae Variant Classification Sherloc (09022015). Collection method: clinical testing. Allele origin: germline.
Comment: This sequence change replaces glutamic acid, which is acidic and polar, with aspartic acid, which is acidic and polar, at codon 1465 of the BRCA2 protein (p.Glu1465Asp). This variant is not present in population databases (gnomAD no frequency). This variant has not been reported in the literature in individuals affected with BRCA2-related conditions. Advanced modeling of protein sequence and biophysical properties (such as structural, functional, and spatial information, amino acid conservation, physicochemical variation, residue mobility, and thermodynamic stability) performed at Invitae indicates that this missense variant is not expected to disrupt BRCA2 protein function with a negative predictive value of 95%. In summary, the available evidence is currently insufficient to determine the role of this variant in disease. Therefore, it has been classified as a Variant of Uncertain Significance.